The following is an entry in ClinVar:

NM_000548.5(TSC2):c.2599dup (p.Ser867fs)

Gene: TSC2 (TSC complex subunit 2; plus strand). Cytogenetic location: 16p13.3.
Variant type: Duplication.
Coding change: c.2599dup on transcript NM_000548.5 (MANE Select); coding-DNA position 2599, one base duplicated (A; older notation c.2599dupA).
Protein change: p.Ser867fs; shifts the reading frame from serine 867.
Molecular consequence: frameshift variant.
Genome position (GRCh38, 1-based): chr16:2,075,852, A duplicated. VCF-style (leftmost placement, unchanged base first): chr16-2075851-C-CA. GRCh37 (hg19) VCF-style: chr16-2125852-C-CA.
Other names: c.2632dup, p.Ser878fs (NM_001318832.2); c.2599dup, p.Ser867fs (NM_001363528.2, NM_001370404.1, NM_001370405.1 and 3 more transcripts); c.2599dup, p.Ser867Lysfs (NM_001406663.1, NM_001406664.1, NM_001406665.1); c.2689dup, p.Ser897Lysfs (NM_001406667.1, NM_001406668.1); c.2488dup, p.Ser830Lysfs (NM_001406670.1, NM_001406678.1); c.2587dup, p.Ser863Lysfs (NM_001406671.1, NM_001406673.1); c.2452dup, p.Ser818Lysfs (NM_001406675.1, NM_001406676.1, NM_001406679.1); c.2542dup, p.Ser848Lysfs (NM_001406677.1); and 7 more; short protein forms S667fs, S818fs, S830fs, S867fs, S878fs.
Identifiers: ClinVar variation 1705287 (VCV001705287.1), dbSNP rs2543888758, ClinGen allele CA2580090858.

ClinVar aggregate classification (germline): Likely pathogenic (1 of 4 stars; one submission).

Conditions:
Tuberous sclerosis 2 (TSC2). Identifiers: Orphanet 805, MedGen C1860707, MONDO:0013199, OMIM 613254.

Submission:

3billion
Classification: Likely pathogenic for Tuberous sclerosis 2. Last evaluated: 2022-09-01. Review status: criteria provided, single submitter. Criteria: ACMG Guidelines, 2015. Collection method: clinical testing. Allele origin: germline. Affected: yes. Observed: 1 heterozygote.
Comment: The variant is not observed in the gnomAD v2.1.1 dataset. It is predicted to result in a loss or disruption of normal protein function through nonsense-mediated decay (NMD) or protein truncation. Multiple pathogenic variants are reported downstream of the variant. Therefore, this variant is classified as Likely pathogenic according to the recommendation of ACMG/AMP guideline.